The following is an entry in ClinVar:

ClinVar aggregate classification (germline): Likely benign (0 of 4 stars; one submission).

Conditions:
PLXNA1-related disorder. Also called: PLXNA1-related condition.

gnomAD v4.1: 7 of 1,613,692 alleles (0.00043%); highest among the groups gnomAD compares: African/African-American, 0.008%; no homozygotes.

Submission:

PreventionGenetics, part of Exact Sciences
Classification: Likely benign for PLXNA1-related condition. Last evaluated: 2024-07-24. Review status: no assertion criteria provided. Collection method: clinical testing. Allele origin: germline.
Comment: This variant is classified as likely benign based on ACMG/AMP sequence variant interpretation guidelines (Richards et al. 2015 PMID: 25741868, with internal and published modifications).

NM_032242.4(PLXNA1):c.2178C>A (p.Thr726=)

Gene: PLXNA1 (plexin A1; plus strand). Cytogenetic location: 3q21.3.
Variant type: single nucleotide variant.
Coding change: c.2178C>A on transcript NM_032242.4 (MANE Select); coding-DNA position 2178, C replaced by A.
Protein change: p.Thr726=; no amino-acid change (threonine 726 retained).
Molecular consequence: synonymous variant.
Genome position (GRCh38, 1-based): chr3:127,012,023, C>A. VCF-style: chr3-127012023-C-A. GRCh37 (hg19) VCF-style: chr3-126730866-C-A.
Identifiers: ClinVar variation 3355074 (VCV003355074.1).